The following is an entry in ClinVar:

NM_003611.3(OFD1):c.1745A>G (p.Asn582Ser)

Gene: OFD1 (OFD1 centriole and centriolar satellite protein; plus strand). Cytogenetic location: Xp22.2.
Variant type: single nucleotide variant.
Coding change: c.1745A>G on transcript NM_003611.3 (MANE Select); coding-DNA position 1745, A replaced by G.
Protein change: p.Asn582Ser; replaces asparagine 582 with serine.
Molecular consequence: missense variant.
Genome position (GRCh38, 1-based): chrX:13,760,205, A>G. VCF-style: chrX-13760205-A-G. GRCh37 (hg19) VCF-style: chrX-13778324-A-G.
Other names: c.1625A>G, p.Asn542Ser (NM_001330209.2); c.1325A>G, p.Asn442Ser (NM_001330210.2); short protein forms N442S, N542S, N582S.
Identifiers: ClinVar variation 3762518 (VCV003762518.2).

ClinVar aggregate classification (germline): Uncertain significance (1 of 4 stars; one submission).

Conditions:
Joubert syndrome. Also called: CEREBELLOPARENCHYMAL DISORDER IV; JOUBERT-BOLTSHAUSER SYNDROME; Familial aplasia of the vermis. Identifiers: Orphanet 475, MedGen C5979921, MONDO:0018772.
Orofaciodigital syndrome I (OFD1). Also called: OFDS I; Papillon-Leage and Psaume Syndrome; Oral-Facial-Digital Syndrome Type I. Identifiers: Orphanet 2750, MedGen C1510460, MONDO:0010702, OMIM 311200.

gnomAD v4.1: 5 of 1,210,198 alleles (0.00041%); highest among the groups gnomAD compares: African/African-American, 0.0035%; no homozygotes.

Submission:

Labcorp Genetics (formerly Invitae), Labcorp
Classification: Uncertain significance for Orofaciodigital syndrome I; Joubert syndrome. Last evaluated: 2024-04-25. Review status: criteria provided, single submitter. Criteria: Invitae Variant Classification Sherloc (09022015). Collection method: clinical testing. Allele origin: germline.
Comment: This sequence change replaces asparagine, which is neutral and polar, with serine, which is neutral and polar, at codon 582 of the OFD1 protein (p.Asn582Ser). This variant is present in population databases (rs377203286, gnomAD 0.006%). This variant has not been reported in the literature in individuals affected with OFD1-related conditions. Advanced modeling of protein sequence and biophysical properties (such as structural, functional, and spatial information, amino acid conservation, physicochemical variation, residue mobility, and thermodynamic stability) performed at Invitae indicates that this missense variant is not expected to disrupt OFD1 protein function with a negative predictive value of 80%. In summary, the available evidence is currently insufficient to determine the role of this variant in disease. Therefore, it has been classified as a Variant of Uncertain Significance.